The following is an entry in ClinVar:

NM_005048.4(PTH2R):c.1540A>G (p.Lys514Glu)

Gene: PTH2R (parathyroid hormone 2 receptor; plus strand). Cytogenetic location: 2q34.
Variant type: single nucleotide variant.
Coding change: c.1540A>G on transcript NM_005048.4 (MANE Select); coding-DNA position 1540, A replaced by G.
Protein change: p.Lys514Glu; replaces lysine 514 with glutamic acid.
Molecular consequence: missense variant. On other transcripts: non-coding transcript variant (4).
Genome position (GRCh38, 1-based): chr2:208,493,546, A>G. VCF-style: chr2-208493546-A-G. GRCh37 (hg19) VCF-style: chr2-209358271-A-G.
Other names: c.1207A>G, p.Lys403Glu (NM_001309516.2, NM_001371905.1, NM_001371906.1); c.931A>G, p.Lys311Glu (NM_001371907.1); short protein forms K311E, K403E, K514E.
Identifiers: ClinVar variation 3051563 (VCV003051563.2), dbSNP rs201505451, ClinGen allele CA2081429.
Genomic context (GRCh38, chr2:208,493,546, plus strand): 5'-GGCTATGTCTGGAGTAACTCAGAGCAGGACTGCCTGCCACACTCTTTCCACGAGGAGACC[A>G]AGGAAGATAGTGGGAGGCAGGGAGATGATATTCTAATGGAGAAGCCTTCCAGGCCTATGG-3'
Protein context (NP_005039.1, residues 504-524): CLPHSFHEET[Lys514Glu]EDSGRQGDDI

ClinVar aggregate classification (germline): Likely benign (0 of 4 stars; one submission).

Conditions:
PTH2R-related disorder. Also called: PTH2R-related condition.

Allele frequency attached by ClinVar (database versions not stated): TOPMed 0.00006; ESP Exome Variant Server 0.00015; gnomAD exomes 0.00039; gnomAD 0.00052; ExAC 0.00084.
gnomAD v4.1: 658 of 1,613,822 alleles (0.041%); highest among the groups gnomAD compares: Non-Finnish European, 0.017%; 2 homozygotes.

Submission:

PreventionGenetics, part of Exact Sciences
Classification: Likely benign for PTH2R-related condition. Last evaluated: 2020-01-06. Review status: no assertion criteria provided. Collection method: clinical testing. Allele origin: germline.
Comment: This variant is classified as likely benign based on ACMG/AMP sequence variant interpretation guidelines (Richards et al. 2015 PMID: 25741868, with internal and published modifications).